The following is an entry in ClinVar:

NM_001734.5(C1S):c.1459G>A (p.Val487Ile)

Gene: C1S (complement C1s; plus strand). Cytogenetic location: 12p13.31.
Variant type: single nucleotide variant.
Coding change: c.1459G>A on transcript NM_001734.5 (MANE Select); coding-DNA position 1459, G replaced by A.
Protein change: p.Val487Ile; replaces valine 487 with isoleucine.
Molecular consequence: missense variant.
Genome position (GRCh38, 1-based): chr12:7,070,043, G>A. VCF-style: chr12-7070043-G-A. GRCh37 (hg19) VCF-style: chr12-7177347-G-A.
Other names: c.958G>A, p.Val320Ile (NM_001346850.2); c.1459G>A, p.Val487Ile (NM_201442.4); short protein forms V487I, V320I.
Identifiers: ClinVar variation 4743939 (VCV004743939.1).

ClinVar aggregate classification (germline): Uncertain significance (1 of 4 stars; one submission).

Submission:

Labcorp Genetics (formerly Invitae), Labcorp
Classification: Uncertain significance. Last evaluated: 2025-04-09. Review status: criteria provided, single submitter. Criteria: Invitae Variant Classification Sherloc (09022015). Collection method: clinical testing. Allele origin: germline.
Comment: This sequence change replaces valine, which is neutral and non-polar, with isoleucine, which is neutral and non-polar, at codon 487 of the C1S protein (p.Val487Ile). This variant is not present in population databases (gnomAD no frequency). This variant has not been reported in the literature in individuals affected with C1S-related conditions. Invitae Evidence Modeling of protein sequence and biophysical properties (such as structural, functional, and spatial information, amino acid conservation, physicochemical variation, residue mobility, and thermodynamic stability) indicates that this missense variant is not expected to disrupt C1S protein function with a negative predictive value of 80%. In summary, the available evidence is currently insufficient to determine the role of this variant in disease. Therefore, it has been classified as a Variant of Uncertain Significance.